The following is an entry in ClinVar:

ClinVar aggregate classification (germline): Uncertain significance (1 of 4 stars; one submission).

Conditions:
Hereditary cancer-predisposing syndrome. Also called: Neoplastic Syndromes, Hereditary; Tumor predisposition; Hereditary Cancer Syndrome; Hereditary neoplastic syndrome. Identifiers: Orphanet 140162, MedGen C0027672, MeSH D009386, MONDO:0015356.

Submission:

Ambry Genetics
Classification: Uncertain significance for Hereditary cancer-predisposing syndrome. Last evaluated: 2025-09-20. Review status: criteria provided, single submitter. Criteria: Ambry Variant Classification Scheme 2023. Collection method: clinical testing. Allele origin: germline.
Comment: The p.R509L variant (also known as c.1526G>T), located in coding exon 9 of the DICER1 gene, results from a G to T substitution at nucleotide position 1526. The arginine at codon 509 is replaced by leucine, an amino acid with dissimilar properties. This amino acid position is conserved. In addition, this alteration is predicted to be deleterious by in silico analysis. Based on the available evidence, the clinical significance of this variant remains unclear.

NM_177438.3(DICER1):c.1526G>T (p.Arg509Leu)

Gene: DICER1 (dicer 1, ribonuclease III; minus strand). Cytogenetic location: 14q32.13.
Variant type: single nucleotide variant.
Coding change: c.1526G>T on transcript NM_177438.3 (MANE Select); coding-DNA position 1526, G replaced by T.
Protein change: p.Arg509Leu; replaces arginine 509 with leucine.
Molecular consequence: missense variant. On other transcripts: non-coding transcript variant (6), intron variant (1).
Genome position (GRCh38, 1-based): chr14:95,116,679, C>A on the plus strand (G>T on the coding strand, the complement: DICER1 is on the minus strand). VCF-style: chr14-95116679-C-A. GRCh37 (hg19) VCF-style: chr14-95583016-C-A.
Other names: c.1526G>T, p.Arg509Leu (NM_001195573.1, NM_001271282.3, NM_001291628.2 and 12 more transcripts); c.1244G>T, p.Arg415Leu (NM_001395686.1); c.1121G>T, p.Arg374Leu (NM_001395687.1, NM_001395688.1, NM_001395689.1 and 3 more transcripts); c.959G>T, p.Arg320Leu (NM_001395691.1); c.-59-99G>T (NM_001395697.1); short protein forms R320L, R374L, R415L, R509L.
Identifiers: ClinVar variation 4636844 (VCV004636844.1).